The following is an entry in ClinVar:

ClinVar aggregate classification (germline): Conflicting classifications of pathogenicity. Review status: criteria provided, conflicting classifications (1 of 4 stars). 4 submissions from 4 submitters: Pathogenic (1); Likely pathogenic (1); Uncertain significance (1). 1 of the submissions does not count toward it. Last evaluated 2025-07-13.

Conditions:
Retinal dystrophy. Also called: Inherited retinal dystrophy. Identifiers: Orphanet 71862, MedGen C0854723, MeSH D058499, MONDO:0019118, HP:0000556.

Submissions (4):

Labcorp Genetics (formerly Invitae), Labcorp
Classification: Pathogenic. Last evaluated: 2025-07-13. Review status: criteria provided, single submitter. Criteria: Invitae Variant Classification Sherloc (09022015). Collection method: clinical testing. Allele origin: germline.
Comment: This sequence change replaces phenylalanine, which is neutral and non-polar, with serine, which is neutral and polar, at codon 298 of the BEST1 protein (p.Phe298Ser). This variant is not present in population databases (gnomAD no frequency). This missense change has been observed in individuals with macular dystrophy (PMID: 14517959, 17698758, 23213274). ClinVar contains an entry for this variant (Variation ID: 99767). Invitae Evidence Modeling of protein sequence and biophysical properties (such as structural, functional, and spatial information, amino acid conservation, physicochemical variation, residue mobility, and thermodynamic stability) indicates that this missense variant is expected to disrupt BEST1 protein function with a positive predictive value of 95%. For these reasons, this variant has been classified as Pathogenic.

Blueprint Genetics
Classification: Uncertain significance. Last evaluated: 2020-10-19. Review status: criteria provided, single submitter. Criteria: ACMG Guidelines, 2015. Collection method: clinical testing. Allele origin: germline.

Institute of Human Genetics, Univ. Regensburg, Univ. Regensburg
Classification: Likely pathogenic for Retinal dystrophy. Last evaluated: 2017-01-01. Review status: criteria provided, single submitter. Criteria: ACMG Guidelines, 2015. Collection method: clinical testing. Allele origin: germline. Affected: yes.

Retina International
No classification provided. Review status: no classification provided. Collection method: not provided. Allele origin: not provided. Not counted in ClinVar's aggregate classification.

Literature cited by the submitters: PubMed 14517959 (cited by Labcorp Genetics (formerly Invitae), Labcorp and Institute of Human Genetics, Univ. Regensburg, Univ. Regensburg); PubMed 17698758 (cited by Labcorp Genetics (formerly Invitae), Labcorp); PubMed 23213274 (cited by Labcorp Genetics (formerly Invitae), Labcorp).

NM_004183.4(BEST1):c.893T>C (p.Phe298Ser)

Gene: BEST1 (bestrophin 1; plus strand). Cytogenetic location: 11q12.3.
Variant type: single nucleotide variant.
Coding change: c.893T>C on transcript NM_004183.4 (MANE Select); coding-DNA position 893, T replaced by C.
Protein change: p.Phe298Ser; replaces phenylalanine 298 with serine.
Molecular consequence: missense variant. On other transcripts: synonymous variant (1), non-coding transcript variant (1), intron variant (1).
Genome position (GRCh38, 1-based): chr11:61,959,523, T>C. VCF-style: chr11-61959523-T-C. GRCh37 (hg19) VCF-style: chr11-61726995-T-C.
Other names: c.713T>C, p.Phe238Ser (NM_001139443.3, NM_001300787.2); c.575T>C, p.Phe192Ser (NM_001363591.3); c.1096T>C, p.Leu366= (NM_001363592.2); c.-80T>C (NM_001363593.3); c.688-369T>C (NM_001300786.2); short protein forms F298S, F238S, F192S.
Identifiers: ClinVar variation 99767 (VCV000099767.7), dbSNP rs281865257, ClinGen allele CA227837.